The following is an entry in ClinVar:

NM_000059.4(BRCA2):c.4691del (p.Ala1564fs)

Gene: BRCA2 (BRCA2 DNA repair associated; plus strand). Cytogenetic location: 13q13.1.
Variant type: Deletion.
Coding change: c.4691del on transcript NM_000059.4 (MANE Select); coding-DNA position 4691, one base deleted (C; older notation c.4691delC).
Protein change: p.Ala1564fs; shifts the reading frame from alanine 1564.
Molecular consequence: frameshift variant. On other transcripts: non-coding transcript variant (1), intron variant (2).
Genome position (GRCh38, 1-based): chr13:32,339,046, C deleted. VCF-style (leftmost placement, unchanged base first): chr13-32339045-GC-G. GRCh37 (hg19) VCF-style: chr13-32913182-GC-G.
Other names: c.4691del, p.Ala1564fs (NM_001406719.1, NM_001406720.1); c.1910-5512del (NM_001406721.1); c.425-5512del (NM_001406722.1); short protein forms A1564fs.
Identifiers: ClinVar variation 2573319 (VCV002573319.1), dbSNP rs2548529097, ClinGen allele CA2580614687.
Genomic context (GRCh38, chr13:32,339,045, plus strand): 5'-AACCTTTTTGATGAAAAAGAGCAAGGTACTAGTGAAATCACCAGTTTTAGCCATCAATGG[GC>G]AAAGACCCTAAAGTACAGAGAGGCCTGTAAAGACCTTGAATTAGCATGTGAGACCATTGA-3'

ClinVar aggregate classification (germline): Pathogenic (1 of 4 stars; one submission).

Conditions:
Breast-ovarian cancer, familial, susceptibility to, 2 (BROVCA2). Also called: BRCA2 Hereditary Breast and Ovarian Cancer. Identifiers: Orphanet 145, MedGen C2675520, MONDO:0012933, OMIM 612555. Disease mechanism: loss of function.

Submission:

Myriad Genetics, Inc.
Classification: Pathogenic for Breast-ovarian cancer, familial, susceptibility to, 2. Last evaluated: 2023-02-13. Review status: criteria provided, single submitter. Criteria: Myriad Autosomal Dominant, Autosomal Recessive and X-Linked Classification Criteria (2023). Collection method: clinical testing. Allele origin: unknown.
Comment: This variant is considered pathogenic. This variant creates a frameshift predicted to result in premature protein truncation.